The following is an entry in ClinVar:

ClinVar aggregate classification (germline): Pathogenic/Likely pathogenic. Review status: criteria provided, multiple submitters, no conflicts (2 of 4 stars). 4 submissions from 4 submitters: Pathogenic (1); Likely pathogenic (3). Last evaluated 2025-05-14.

Conditions:
Salla disease (SD). Also called: Sialuria, Finnish type; N-acetylneuraminic acid (NANA) storage disease (NSD); Infantile sialic acid storage disorder (ISSD); Less Severe FSASD (Salla Disease). Identifiers: Orphanet 309334, Orphanet 834, MedGen C1096903, MONDO:0011449, OMIM 604369.
Sialic acid storage disease, severe infantile type (ISSD). Also called: INFANTILE SIALIC ACID STORAGE DISORDER; N-ACETYLNEURAMINIC ACID STORAGE DISEASE; NANA STORAGE DISEASE; SIALURIA, INFANTILE FORM; Infantile Sialic Acid Storage Disease; Free sialic acid storage disease, infantile form. Identifiers: Orphanet 309324, Orphanet 834, MedGen C1096902, MONDO:0010027, OMIM 269920.

Submissions (4):

Natera, Inc.
Classification: Likely pathogenic for Salla disease. Last evaluated: 2025-05-14. Review status: criteria provided, single submitter. Criteria: Natera Variant Classification Schema (03/2026). Collection method: clinical testing. Allele origin: germline.
Comment: The c.294_310del variant in SLC17A5 is a frameshift variant predicted to shift the reading frame beginning at codon 99 and leads to a stop codon 90 codons downstream. This variant is expected to result in nonsense mediated decay, truncation, or a dysfunctional protein product. This variant is rare in the general population with a frequency below the threshold expected for the associated phenotype(s). Given the available evidence, this variant is classified as Likely Pathogenic.

Fulgent Genetics
Classification: Likely pathogenic for Sialic acid storage disease, severe infantile type; Salla disease. Last evaluated: 2024-02-25. Review status: criteria provided, single submitter. Criteria: ACMG Guidelines, 2015. Collection method: clinical testing. Allele origin: germline.

Labcorp Genetics (formerly Invitae), Labcorp
Classification: Pathogenic for Salla disease. Last evaluated: 2022-11-03. Review status: criteria provided, single submitter. Criteria: Invitae Variant Classification Sherloc (09022015). Collection method: clinical testing. Allele origin: germline.
Comment: This variant is not present in population databases (gnomAD no frequency). This sequence change creates a premature translational stop signal (p.Lys99Cysfs*90) in the SLC17A5 gene. It is expected to result in an absent or disrupted protein product. Loss-of-function variants in SLC17A5 are known to be pathogenic (PMID: 10581036, 10947946, 15172001). This variant has not been reported in the literature in individuals affected with SLC17A5-related conditions. For these reasons, this variant has been classified as Pathogenic.

Baylor Genetics
Classification: Likely pathogenic for Salla disease. Last evaluated: 2022-06-11. Review status: criteria provided, single submitter. Criteria: ACMG Guidelines, 2015. Collection method: clinical testing. Allele origin: unknown.

Literature cited by the submitters: PubMed 10581036 (cited by Labcorp Genetics (formerly Invitae), Labcorp); PubMed 10947946 (cited by Labcorp Genetics (formerly Invitae), Labcorp); PubMed 15172001 (cited by Labcorp Genetics (formerly Invitae), Labcorp).

NM_012434.5(SLC17A5):c.294_310del

Genes: SLC17A5 (solute carrier family 17 member 5; minus strand), LOC132089454 (Neanderthal introgressed variant-containing enhancer experimental_94412; plus strand). Cytogenetic location: 6q13.
Variant type: Deletion.
Coding change: c.294_310del on transcript NM_012434.5 (MANE Select); coding-DNA positions 294 to 310, 17 bases deleted (TAAGAAGTACCAATGGG).
Genome position (GRCh38, 1-based): chr6:73,641,906-73,641,922, CCCATTGGTACTTCTTA deleted on the plus strand (TAAGAAGTACCAATGGG on the coding strand, the reverse complement: SLC17A5 is on the minus strand); deleting any 17 consecutive bases within chr6:73,641,906-73,641,925 gives the same sequence; the c. name uses the placement nearest the transcript's 3' end. VCF-style (leftmost placement, unchanged base first): chr6-73641905-TCCCATTGGTACTTCTTA-T. GRCh37 (hg19) VCF-style: chr6-74351628-TCCCATTGGTACTTCTTA-T.
Other names: c.294_310del (NM_012434.4).
Identifiers: ClinVar variation 2678779 (VCV002678779.7), dbSNP rs1192927951, ClinGen allele CA827974943.